The following is an entry in ClinVar:

ClinVar aggregate classification (germline): Likely pathogenic (1 of 4 stars; one submission).

Conditions:
Hereditary insensitivity to pain with anhidrosis (CIPA). Also called: INSENSITIVITY TO PAIN, CONGENITAL, WITH ANHIDROSIS; hereditary sensory and autonomic neuropathy type 4; FAMILIAL DYSAUTONOMIA, TYPE II; NEUROPATHY, CONGENITAL SENSORY, WITH ANHIDROSIS; NTRK1 Congenital Insensitivity to Pain with Anhidrosis; HSAN Type IV. Identifiers: Orphanet 642, MedGen C0020074, MONDO:0009746, OMIM 256800.

Submission:

Natera, Inc.
Classification: Likely pathogenic for Hereditary insensitivity to pain with anhidrosis. Last evaluated: 2024-10-18. Review status: criteria provided, single submitter. Criteria: Natera Variant Classification Schema (03/2026). Collection method: clinical testing. Allele origin: germline.
Comment: The c.441dup variant in NTRK1 is a frameshift variant predicted to shift the reading frame beginning at codon 148 and leads to a stop codon 25 codons downstream. This variant is expected to result in nonsense mediated decay, truncation, or a dysfunctional protein product. This variant is rare in the general population with a frequency below the threshold expected for the associated phenotype(s). Given the available evidence, this variant is classified as Likely Pathogenic.

NM_002529.4(NTRK1):c.441dup (p.Asn148fs)

Gene: NTRK1 (neurotrophic receptor tyrosine kinase 1; plus strand). Cytogenetic location: 1q23.1.
Variant type: Duplication.
Coding change: c.441dup on transcript NM_002529.4 (MANE Select); coding-DNA position 441, one base duplicated (G; older notation c.441dupG).
Protein change: p.Asn148fs; shifts the reading frame from asparagine 148.
Molecular consequence: frameshift variant.
Genome position (GRCh38, 1-based): chr1:156,868,116, G duplicated; the last of 4 consecutive G bases (chr1:156,868,113-156,868,116); duplicating any one gives the same sequence. VCF-style (leftmost placement, unchanged base first): chr1-156868112-C-CG. GRCh37 (hg19) VCF-style: chr1-156837904-C-CG.
Other names: c.351dup, p.Asn118fs (NM_001007792.1); c.441dup, p.Asn148fs (NM_001012331.2); short protein forms N118fs, N148fs.
Identifiers: ClinVar variation 4814519 (VCV004814519.1).